The following is an entry in ClinVar:

ClinVar aggregate classification (germline): Benign (0 of 4 stars; one submission).

Conditions:
GRIN2C-related disorder. Also called: GRIN2C-related condition.

Submission:

PreventionGenetics, part of Exact Sciences
Classification: Benign for GRIN2C-related condition. Last evaluated: 2020-06-15. Review status: no assertion criteria provided. Collection method: clinical testing. Allele origin: germline.
Comment: This variant is classified as benign based on ACMG/AMP sequence variant interpretation guidelines (Richards et al. 2015 PMID: 25741868, with internal and published modifications).

NM_000835.6(GRIN2C):c.3560_3580del (p.His1187_Gly1193del)

Gene: GRIN2C (glutamate ionotropic receptor NMDA type subunit 2C; minus strand). Cytogenetic location: 17q25.1.
Variant type: Deletion.
Coding change: c.3560_3580del on transcript NM_000835.6 (MANE Select); coding-DNA positions 3560 to 3580, 21 bases deleted (ACAGGGGCAGGACTCTGGGGC).
Protein change: p.His1187_Gly1193del.
Molecular consequence: non-coding transcript variant (on NR_103735.2).
Genome position (GRCh38, 1-based): chr17:74,842,557-74,842,577, GCCCCAGAGTCCTGCCCCTGT deleted on the plus strand (ACAGGGGCAGGACTCTGGGGC on the coding strand, the reverse complement: GRIN2C is on the minus strand); deleting any 21 consecutive bases within chr17:74,842,557-74,842,586 gives the same sequence; the c. name uses the placement nearest the transcript's 3' end. VCF-style (leftmost placement, unchanged base first): chr17-74842556-AGCCCCAGAGTCCTGCCCCTGT-A. GRCh37 (hg19) VCF-style: chr17-72838695-AGCCCCAGAGTCCTGCCCCTGT-A.
Identifiers: ClinVar variation 3052629 (VCV003052629.2), dbSNP rs577805282, ClinGen allele CA8751929.
Genomic context (GRCh38, chr17:74,842,556, plus strand): 5'-GTCCCACGGGCTACCCTGCTGATCTCGTCCAGTCCCCCACTGTCTCTGTAGCCTGTGCCC[AGCCCCAGAGTCCTGCCCCTGT>A]GCCCCAGAGGCCCCCAGGCCCCGGAGAGCCAGGAGCCGTGGCTGGCACAGGGTGGAAGGT-3'